The following is an entry in ClinVar:

NM_005518.4(HMGCS2):c.559+5G>A

Gene: HMGCS2 (3-hydroxy-3-methylglutaryl-CoA synthase 2; minus strand). Cytogenetic location: 1p12.
Variant type: single nucleotide variant.
Coding change: c.559+5G>A on transcript NM_005518.4 (MANE Select); 5 bases into the intron after coding-DNA position 559, G replaced by A.
Molecular consequence: intron variant.
Genome position (GRCh38, 1-based): chr1:119,764,167, C>T on the plus strand (G>A on the coding strand, the complement: HMGCS2 is on the minus strand). VCF-style: chr1-119764167-C-T. GRCh37 (hg19) VCF-style: chr1-120306790-C-T.
Other names: c.559+5G>A (NM_001166107.1).
Identifiers: ClinVar variation 1339250 (VCV001339250.2), dbSNP rs2101272766, ClinGen allele CA2573051351.
Genomic context (GRCh38, chr1:119,764,167, plus strand): 5'-AAACTGGTAATATTCAGCCTCCAATTCCAGCACCTTTCTTACATAAGGTTCGTGGCCGTA[C>T]ATACCATCCCAGGAACTGGACTCCATCCAGTTGGCAGCATTGAAGAGGGAGGCAGTACCA-3'

ClinVar aggregate classification (germline): Uncertain significance (1 of 4 stars; one submission).

Conditions:
3-hydroxy-3-methylglutaryl-CoA synthase deficiency (HMGCS2D). Also called: HMG-CoA synthase-2 deficiency; HMGCS2 DEFICIENCY; MITOCHONDRIAL HMG-CoA SYNTHASE DEFICIENCY. Identifiers: Orphanet 35701, MedGen C2751532, MONDO:0011614, OMIM 605911.

Submission:

Neuberg Centre For Genomic Medicine, NCGM
Classification: Uncertain significance for 3-hydroxy-3-methylglutaryl-CoA synthase deficiency. Review status: criteria provided, single submitter. Criteria: ACMG Guidelines, 2015. Collection method: clinical testing. Allele origin: germline. Affected: yes.
Comment: The splice region variant c.559+5G>A in HMGCS2 (NM_005518.4) has not been reported previously as a pathogenic variant nor as a benign variant, to our knowledge. The c.559+5G>A variant is novel (not in any individuals) in gnomAD Exomes and is novel (not in any individuals) in 1000 Genomes. In silico splicing predictions are contradictory. The nucleotide c.559+5G>A in HMGCS2 is predicted conserved by GERP++ and PhyloP across 100 vertebrates. For these reasons, this variant has been classified as Uncertain Significance.